The following is an entry in ClinVar:

ClinVar aggregate classification (germline): Likely benign (0 of 4 stars; one submission).

Conditions:
RECQL5-related disorder. Also called: RECQL5-related condition.

Allele frequency attached by ClinVar (database versions not stated): ESP Exome Variant Server 0.00023; ExAC 0.00025; gnomAD 0.00025; TOPMed 0.00025; gnomAD exomes 0.00029.
gnomAD v4.1: 469 of 1,607,232 alleles (0.029%); highest among the groups gnomAD compares: Non-Finnish European, 0.036%; 1 homozygote.

Submission:

PreventionGenetics, part of Exact Sciences
Classification: Likely benign for RECQL5-related condition. Last evaluated: 2022-04-04. Review status: no assertion criteria provided. Collection method: clinical testing. Allele origin: germline.
Comment: This variant is classified as likely benign based on ACMG/AMP sequence variant interpretation guidelines (Richards et al. 2015 PMID: 25741868, with internal and published modifications).

NM_004259.7(RECQL5):c.986+7T>G

Gene: RECQL5 (RecQ like helicase 5; minus strand). Cytogenetic location: 17q25.1.
Variant type: single nucleotide variant.
Coding change: c.986+7T>G on transcript NM_004259.7 (MANE Select); 7 bases into the intron after coding-DNA position 986, T replaced by G.
Molecular consequence: intron variant.
Genome position (GRCh38, 1-based): chr17:75,660,948, A>C on the plus strand (T>G on the coding strand, the complement: RECQL5 is on the minus strand). VCF-style: chr17-75660948-A-C. GRCh37 (hg19) VCF-style: chr17-73657028-A-C.
Other names: c.986+7T>G (NM_001003716.4, NM_001003715.4).
Identifiers: ClinVar variation 3052232 (VCV003052232.2), dbSNP rs375671948, ClinGen allele CA8767794.
Genomic context (GRCh38, chr17:75,660,948, plus strand): 5'-ACAGCACTAGGCAATCCACCCTGAGCCAGGCCCAGACCAGGAGGGCAGGGCAAGAACCAA[A>C]GCTCACCTGACATTGGCTTTATCCACTCCCATCCCAAAACTAATGGTTGCAACAATTACA-3'